The following is an entry in ClinVar:

GRCh38/hg38 1q43-44(chr1:242520315-246857912)x1

Genes: ADSS2 (adenylosuccinate synthase 2; minus strand), AHCTF1 (AT-hook containing transcription factor 1; minus strand), AKT3 (AKT serine/threonine kinase 3; minus strand), AKT3-IT1 (AKT3 intronic transcript 1; minus strand), C1orf202 (chromosome 1 open reading frame 202; minus strand) and 116 more. Cytogenetic location: 1q43-44.
Variant type: copy number loss.
Change: copy number 1 (one copy instead of two) of chr1:242,520,315-246,857,912 (4.34 Mb, GRCh38 coordinates, 1-based), cytogenetic band 1q43-44.
Identifiers: ClinVar variation 2582786 (VCV002582786.1).

ClinVar aggregate classification (germline): Pathogenic (1 of 4 stars; one submission).

Conditions:
Intellectual developmental disorder, autosomal dominant 22. Also called: Intellectual disability, autosomal dominant 22. Identifiers: MedGen CN029689, MONDO:0012869, OMIM 612337.

Submission:

Broad Center for Mendelian Genomics, Broad Institute of MIT and Harvard
Classification: Pathogenic for Intellectual developmental disorder, autosomal dominant 22. Last evaluated: 2023-10-03. Review status: criteria provided, single submitter. Criteria: ACMG/ClinGen CNV Guidelines, 2019. Collection method: research. Allele origin: de novo. Inheritance: Autosomal dominant inheritance. Affected: yes.
Comment: The presence of this deletion was confirmed by chromosomal microarray. The breakpoints have been estimated by exome sequencing only and therefore may not reflect the true breakpoints. The patient phenotype is nonspecific, but is consistent with cases described in the literature and/or published databases with overlapping variants. There is complete overlap with ZBTB18 gene which is known to be haploinsufficient and has been assessed by the ClinGen Dosage Sensitivity Working Group. There is also complete overlap with the HNRNPU gene which has evidence supporting haploinsufficiency, but has not yet been curated by the ClinGen dosage sensitivity group (PMID: 33874999, 32319732). In summary, the 1q43-q44 deletion meets criteria to be classified as pathogenic. The ACMG/ClinGen evidence codes and points used in this curation are as follows: 1: 0 points, 2: 1.00 points, 3: 0 points, 4-5: 0.15 points; Total: 1.15 points; Riggs 2020 (PMID: 3169083).